The following is an entry in ClinVar:

NM_000391.4(TPP1):c.1634T>C (p.Val545Ala)

Gene: TPP1 (tripeptidyl peptidase 1; minus strand). Cytogenetic location: 11p15.4.
Variant type: single nucleotide variant.
Coding change: c.1634T>C on transcript NM_000391.4 (MANE Select); coding-DNA position 1634, T replaced by C.
Protein change: p.Val545Ala; replaces valine 545 with alanine.
Molecular consequence: missense variant.
Genome position (GRCh38, 1-based): chr11:6,614,604, A>G on the plus strand (T>C on the coding strand, the complement: TPP1 is on the minus strand). VCF-style: chr11-6614604-A-G. GRCh37 (hg19) VCF-style: chr11-6635835-A-G.
Other names: short protein forms V545A.
Identifiers: ClinVar variation 1001441 (VCV001001441.8), dbSNP rs752436484, ClinGen allele CA5858598.

ClinVar aggregate classification (germline): Uncertain significance (1 of 4 stars; one submission).

Allele frequency attached by ClinVar (database versions not stated): gnomAD exomes below 0.00001; TOPMed below 0.00001; ExAC 0.00001; gnomAD 0.00001.

Submission:

Labcorp Genetics (formerly Invitae), Labcorp
Classification: Uncertain significance. Last evaluated: 2022-08-23. Review status: criteria provided, single submitter. Criteria: Invitae Variant Classification Sherloc (09022015). Collection method: clinical testing. Allele origin: germline.
Comment: This sequence change replaces valine, which is neutral and non-polar, with alanine, which is neutral and non-polar, at codon 545 of the TPP1 protein (p.Val545Ala). This variant is present in population databases (rs752436484, gnomAD 0.01%). This variant has not been reported in the literature in individuals affected with TPP1-related conditions. ClinVar contains an entry for this variant (Variation ID: 1001441). Advanced modeling of protein sequence and biophysical properties (such as structural, functional, and spatial information, amino acid conservation, physicochemical variation, residue mobility, and thermodynamic stability) performed at Invitae indicates that this missense variant is expected to disrupt TPP1 protein function. In summary, the available evidence is currently insufficient to determine the role of this variant in disease. Therefore, it has been classified as a Variant of Uncertain Significance.